The following is an entry in ClinVar:

ClinVar aggregate classification (germline): Pathogenic. Review status: criteria provided, multiple submitters, no conflicts (2 of 4 stars). 3 submissions from 3 submitters: Pathogenic (2). 1 of the submissions does not count toward it. Last evaluated 2023-05-02.

Conditions:
PCARE-related retinopathy. Identifiers: MedGen CN322610, MONDO:0800404.
Cone-rod dystrophy. Also called: Cone-rod degeneration; Cone/cone-rod dystrophy. Identifiers: Orphanet 1872, MedGen C4085590, MONDO:0015993, HP:0000548.

Allele frequency attached by ClinVar (database versions not stated): TOPMed below 0.00001.

Submissions (3):

Broad Center for Mendelian Genomics, Broad Institute of MIT and Harvard
Classification: Pathogenic for PCARE-related retinopathy. Last evaluated: 2023-05-02. Review status: criteria provided, single submitter. Criteria: ACMG Guidelines, 2015. Collection method: curation. Allele origin: germline. Inheritance: Autosomal recessive inheritance.
Comment: The p.Cys160Ter variant in PCARE has been previously reported in one individual with retinitis pigmentosa 54 (PMID: 28763557). This individual (PMID: 28763557) and the individual identified by our study were homozygotes, which increases the likelihood that the p.Cys160Ter variant is pathogenic. This variant has also been reported in ClinVar (Variation ID: 812241) and has been interpreted as pathogenic by Invitae and the Sharon lab of Hadassah-Hebrew University Medical Center. This variant was absent from large population studies. This nonsense variant leads to a premature termination codon at position 160, which is predicted to lead to a truncated or absent protein. Loss of function of the PCARE gene is an established disease mechanism in retinitis pigmentosa 54. In summary, this variant meets criteria to be classified as pathogenic for autosomal recessive retinitis pigmentosa 54. ACMG/AMP Criteria applied: PVS1, PM2_Supporting, PM3 (Richards 2015).

Labcorp Genetics (formerly Invitae), Labcorp
Classification: Pathogenic. Last evaluated: 2023-04-01. Review status: criteria provided, single submitter. Criteria: Invitae Variant Classification Sherloc (09022015). Collection method: clinical testing. Allele origin: germline.
Comment: For these reasons, this variant has been classified as Pathogenic. ClinVar contains an entry for this variant (Variation ID: 812241). This premature translational stop signal has been observed in individual(s) with PCARE-related conditions (PMID: 28763557). This variant is not present in population databases (gnomAD no frequency). This sequence change creates a premature translational stop signal (p.Cys160*) in the PCARE gene. It is expected to result in an absent or disrupted protein product. Loss-of-function variants in PCARE are known to be pathogenic (PMID: 20398886, 24339724, 26496393).

Sharon lab, Hadassah-Hebrew University Medical Center
Classification: Pathogenic for Cone-rod degeneration. Last evaluated: 2019-06-23. Review status: no assertion criteria provided. Collection method: research. Allele origin: inherited. Affected: yes. Not counted in ClinVar's aggregate classification.

Literature cited by the submitters: PubMed 28763557 (cited by Labcorp Genetics (formerly Invitae), Labcorp); PubMed 20398886 (cited by Labcorp Genetics (formerly Invitae), Labcorp); PubMed 24339724 (cited by Labcorp Genetics (formerly Invitae), Labcorp); PubMed 26496393 (cited by Labcorp Genetics (formerly Invitae), Labcorp).

NM_001029883.3(PCARE):c.478_479insA (p.Cys160Ter)

Gene: PCARE (photoreceptor cilium actin regulator; minus strand). Cytogenetic location: 2p23.2.
Variant type: Insertion.
Coding change: c.478_479insA on transcript NM_001029883.3 (MANE Select); coding-DNA positions 478 to 479, A inserted.
Protein change: p.Cys160Ter; replaces cysteine 160 with a stop codon.
Molecular consequence: nonsense.
Genome position: GRCh38 VCF-style: chr2-29073783-C-CT. GRCh37 (hg19) VCF-style: chr2-29296649-C-CT.
Other names: NM_001029883.3(PCARE):c.478_479insA; p.Cys160Ter; short protein forms C160*.
Identifiers: ClinVar variation 812241 (VCV000812241.12), dbSNP rs1572829866, ClinGen allele CA915943717.